The following is an entry in ClinVar:

ClinVar aggregate classification (germline): Uncertain significance. Review status: criteria provided, multiple submitters, no conflicts (2 of 4 stars). 2 submissions from 2 submitters: Uncertain significance (2). Last evaluated 2024-03-07.

Conditions:
Cardiovascular phenotype. Identifiers: MedGen CN230736.
Cardiomyopathy (CMYO). Also called: Cardiomyopathies. Identifiers: Orphanet 167848, MedGen C0878544, MONDO:0004994, HP:0001638. Inheritance: Various modes of inheritance.

Submissions (2):

Color Diagnostics, LLC DBA Color Health
Classification: Uncertain significance for Cardiomyopathy. Last evaluated: 2024-03-07. Review status: criteria provided, single submitter. Criteria: ACMG Guidelines, 2015. Collection method: clinical testing. Allele origin: germline.
Comment: This missense variant replaces aspartic acid with glutamic acid at codon 48 of the MYL2 protein. Computational prediction suggests that this variant may not impact protein structure and function (internally defined REVEL score threshold <= 0.5, PMID: 27666373). To our knowledge, functional studies have not been reported for this variant. This variant has not been reported in individuals affected with cardiovascular disorders in the literature. This variant has not been identified in the general population by the Genome Aggregation Database (gnomAD). The available evidence is insufficient to determine the role of this variant in disease conclusively. Therefore, this variant is classified as a Variant of Uncertain Significance.

Ambry Genetics
Classification: Uncertain significance for Cardiovascular phenotype. Last evaluated: 2021-09-20. Review status: criteria provided, single submitter. Criteria: Ambry Variant Classification Scheme 2023. Collection method: clinical testing. Allele origin: germline.
Comment: The p.D48E variant (also known as c.144T>A), located in coding exon 3 of the MYL2 gene, results from a T to A substitution at nucleotide position 144. The aspartic acid at codon 48 is replaced by glutamic acid, an amino acid with highly similar properties. This amino acid position is conserved. In addition, the in silico prediction for this alteration is inconclusive. Since supporting evidence is limited at this time, the clinical significance of this alteration remains unclear.

NM_000432.4(MYL2):c.144T>A (p.Asp48Glu)

Gene: MYL2 (myosin light chain 2; minus strand). Cytogenetic location: 12q24.11.
Variant type: single nucleotide variant.
Coding change: c.144T>A on transcript NM_000432.4 (MANE Select); coding-DNA position 144, T replaced by A.
Protein change: p.Asp48Glu; replaces aspartic acid 48 with glutamic acid.
Molecular consequence: missense variant.
Genome position (GRCh38, 1-based): chr12:110,915,740, A>T on the plus strand (T>A on the coding strand, the complement: MYL2 is on the minus strand). VCF-style: chr12-110915740-A-T. GRCh37 (hg19) VCF-style: chr12-111353544-A-T.
Other names: short protein forms D48E.
Identifiers: ClinVar variation 1331986 (VCV001331986.5), dbSNP rs2136774026, ClinGen allele CA386699282.